The following is an entry in ClinVar:

NC_000008.11:g.(?_73976132)_(74367120_?)dup

Genes: JPH1 (junctophilin 1; minus strand), TMEM70 (transmembrane protein 70; plus strand), LY96 (lymphocyte antigen 96; plus strand), GDAP1 (ganglioside induced differentiation associated protein 1; plus strand). Cytogenetic location: 8q21.11.
Variant type: Duplication.
Identifiers: ClinVar variation 831016 (VCV000831016.2).

ClinVar aggregate classification (germline): Uncertain significance. Review status: criteria provided, single submitter (1 of 4 stars). 2 submissions from 1 submitter: Uncertain significance (2). Last evaluated 2020-07-08.

Conditions:
Mitochondrial complex V (ATP synthase) deficiency, nuclear type 2. Also called: ENCEPHALOCARDIOMYOPATHY, MITOCHONDRIAL, NEONATAL, DUE TO ATP SYNTHASE DEFICIENCY; MITOCHONDRIAL COMPLEX V (ATP SYNTHASE) DEFICIENCY, TMEM70 TYPE; Nuclear-Encoded ATPase Deficiency, TMEM70-Related. Identifiers: Orphanet 1194, MedGen C3279699, MONDO:0013546, OMIM 614052.
Charcot-Marie-Tooth disease type 4A. Also called: Charcot-Marie-Tooth disease, demyelinating, autosomal recessive, type 4a. Identifiers: Orphanet 99948, MedGen C1859198, MONDO:0008961, OMIM 214400.

Submissions (2):

Labcorp Genetics (formerly Invitae), Labcorp
Classification: Uncertain significance for Charcot-Marie-Tooth disease type 4A. Last evaluated: 2020-07-08. Review status: criteria provided, single submitter. Criteria: Invitae Variant Classification Sherloc (09022015). Collection method: clinical testing. Allele origin: germline.
Comment: This variant results in a copy number gain of the genomic region encompassing the full coding sequence of the GDAP1 gene. The boundaries of this event are unknown as they extend beyond the assayed region for this gene and therefore may encompass additional genes. As the precise location of this event is unknown, it may be in tandem or it may be located elsewhere in the genome. This variant has not been reported in the literature in individuals with GDAP1-related conditions. In summary, the available evidence is currently insufficient to determine the role of this variant in disease. Therefore, it has been classified as a Variant of Uncertain Significance.

Labcorp Genetics (formerly Invitae), Labcorp
Classification: Uncertain significance for Nuclearly-encoded mitochondrial complex V (ATP synthase) deficiency 2. Last evaluated: 2019-10-16. Review status: criteria provided, single submitter. Criteria: Invitae Variant Classification Sherloc (09022015). Collection method: clinical testing. Allele origin: germline.
Comment: This variant results in a copy number gain of the genomic region encompassing the full coding sequence of the TMEM70 gene. The boundaries of this event are unknown as they extend beyond the assayed region for this gene and therefore may encompass additional genes. As the precise location of this event is unknown, it may be in tandem or it may be located elsewhere in the genome. This variant has not been reported in the literature in individuals with TMEM70-related conditions. Experimental studies and prediction algorithms are not available or were not evaluated, and the functional significance of this variant is currently unknown. In summary, the available evidence is currently insufficient to determine the role of this variant in disease. Therefore, it has been classified as a Variant of Uncertain Significance.